The following is an entry in ClinVar:

ClinVar aggregate classification (germline): Uncertain significance (1 of 4 stars; one submission).

Submission:

GeneDx
Classification: Uncertain significance. Last evaluated: 2025-07-23. Review status: criteria provided, single submitter. Criteria: GeneDx Variant Classification Process June 2021. Collection method: clinical testing. Allele origin: germline. Affected: yes.
Comment: Not observed at significant frequency in large population cohorts (gnomAD); In silico analysis supports that this missense variant has a deleterious effect on protein structure/function; Has not been previously published as pathogenic or benign to our knowledge; This variant is associated with the following publications: (PMID: 16053902)

NM_014795.4(ZEB2):c.656G>A (p.Gly219Asp)

Gene: ZEB2 (zinc finger E-box binding homeobox 2; minus strand). Cytogenetic location: 2q22.3.
Variant type: single nucleotide variant.
Coding change: c.656G>A on transcript NM_014795.4 (MANE Select); coding-DNA position 656, G replaced by A.
Protein change: p.Gly219Asp; replaces glycine 219 with aspartic acid.
Molecular consequence: missense variant.
Genome position (GRCh38, 1-based): chr2:144,404,067, C>T on the plus strand (G>A on the coding strand, the complement: ZEB2 is on the minus strand). VCF-style: chr2-144404067-C-T. GRCh37 (hg19) VCF-style: chr2-145161634-C-T.
Other names: c.584G>A, p.Gly195Asp (NM_001171653.2); short protein forms G195D, G219D.
Identifiers: ClinVar variation 4686759 (VCV004686759.1).